The following is an entry in ClinVar:

NM_022041.4(GAN):c.1428C>T (p.Val476=)

Gene: GAN (gigaxonin; plus strand). Cytogenetic location: 16q23.2.
Variant type: single nucleotide variant.
Coding change: c.1428C>T on transcript NM_022041.4 (MANE Select); coding-DNA position 1428, C replaced by T.
Protein change: p.Val476=; no amino-acid change (valine 476 retained).
Molecular consequence: synonymous variant.
Genome position (GRCh38, 1-based): chr16:81,365,404, C>T. VCF-style: chr16-81365404-C-T. GRCh37 (hg19) VCF-style: chr16-81399009-C-T.
Other names: c.789C>T, p.Val263= (NM_001377486.1).
Identifiers: ClinVar variation 2414465 (VCV002414465.9), dbSNP rs774365963, ClinGen allele CA8191763.
Genomic context (GRCh38, chr16:81,365,404, plus strand): 5'-TTTCAGGTTTGGAGCGGTGGCCTGTGGAGTTGCTATGGAGCTGTATGTGTTTGGGGGAGT[C>T]CGAAGTCGTGAGGACGCCCAGGGTAGCGAGATGGTAACTTGCAAGTCCGAGTTCTACCAT-3'
Protein context (NP_071324.1, residues 466-486): VAMELYVFGG[Val476=]RSREDAQGSE

ClinVar aggregate classification (germline): Likely benign. Review status: criteria provided, single submitter (1 of 4 stars). 2 submissions from 2 submitters: Likely benign (1). 1 of the submissions does not count toward it. Last evaluated 2024-05-21.

Conditions:
Giant axonal neuropathy 1 (GAN1). Also called: GAN-Related Neurodegeneration; GIANT AXONAL NEUROPATHY 1, AUTOSOMAL RECESSIVE. Identifiers: Orphanet 643, MedGen C1850386, MONDO:0009749, OMIM 256850.
GAN-related disorder. Also called: GAN-related condition.

Allele frequency attached by ClinVar (database versions not stated): ExAC 0.00001; gnomAD 0.00001; TOPMed 0.00001.
gnomAD v4.1: 5 of 1,613,312 alleles (0.00031%); highest among the groups gnomAD compares: East Asian, 0.0045%; no homozygotes.

Submissions (2):

Labcorp Genetics (formerly Invitae), Labcorp
Classification: Likely benign for Giant axonal neuropathy 1. Last evaluated: 2024-05-21. Review status: criteria provided, single submitter. Criteria: Invitae Variant Classification Sherloc (09022015). Collection method: clinical testing. Allele origin: germline.

PreventionGenetics, part of Exact Sciences
Classification: Likely benign for GAN-related condition. Last evaluated: 2019-03-11. Review status: no assertion criteria provided. Collection method: clinical testing. Allele origin: germline. Not counted in ClinVar's aggregate classification.
Comment: This variant is classified as likely benign based on ACMG/AMP sequence variant interpretation guidelines (Richards et al. 2015 PMID: 25741868, with internal and published modifications).